The following is an entry in ClinVar:

ClinVar aggregate classification (germline): Likely pathogenic (1 of 4 stars; one submission).

Conditions:
Intellectual developmental disorder, X-linked, syndromic, Raymond type. Also called: Syndromic X-linked intellectual disability Raymond type. Identifiers: MedGen C3275406, MONDO:0010427, OMIM 300799.

Submissions (2):

Labcorp Genetics (formerly Invitae), Labcorp
Classification: Likely pathogenic for Intellectual developmental disorder, X-linked, syndromic, Raymond type. Last evaluated: 2024-04-29. Review status: criteria provided, single submitter. Criteria: Invitae Variant Classification Sherloc (09022015). Collection method: clinical testing. Allele origin: germline.
Comment: This sequence change affects a donor splice site in intron 8 of the ZDHHC9 gene. It is expected to disrupt RNA splicing. Variants that disrupt the donor or acceptor splice site typically lead to a loss of protein function (PMID: 16199547), and loss-of-function variants in ZDHHC9 are known to be pathogenic (PMID: 17436253, 24357419). This variant is not present in population databases (gnomAD no frequency). Disruption of this splice site has been observed in individual(s) with clinical features of ZDHHC9-related conditions (PMID: 26633542, 36416207). Algorithms developed to predict the effect of sequence changes on RNA splicing suggest that this variant may disrupt the consensus splice site. In summary, the currently available evidence indicates that the variant is pathogenic, but additional data are needed to prove that conclusively. Therefore, this variant has been classified as Likely Pathogenic.

Dr. Peter K. Rogan Lab, Western University
No classification provided (evidence only). Condition: Thyroid cancer, nonmedullary, 1. Review status: no classification provided. Collection method: in vitro. Allele origin: not applicable. Functional consequence: retained intron. Not counted in ClinVar's aggregate classification.

Literature cited by the submitters: PubMed 16199547 (cited by Labcorp Genetics (formerly Invitae), Labcorp); PubMed 17436253 (cited by Labcorp Genetics (formerly Invitae), Labcorp); PubMed 24357419 (cited by Labcorp Genetics (formerly Invitae), Labcorp); PubMed 26633542 (cited by Labcorp Genetics (formerly Invitae), Labcorp); PubMed 36416207 (cited by Labcorp Genetics (formerly Invitae), Labcorp).

NM_016032.4(ZDHHC9):c.777+1G>A

Gene: ZDHHC9 (zDHHC palmitoyltransferase 9; minus strand). Cytogenetic location: Xq26.1.
Variant type: single nucleotide variant.
Coding change: c.777+1G>A on transcript NM_016032.4 (MANE Select); the canonical splice donor site of the intron after coding-DNA position 777, G replaced by A.
Molecular consequence: splice donor variant.
Genome position (GRCh38, 1-based): chrX:129,812,717, C>T on the plus strand (G>A on the coding strand, the complement: ZDHHC9 is on the minus strand). VCF-style: chrX-129812717-C-T. GRCh37 (hg19) VCF-style: chrX-128946693-C-T.
Other names: c.777+1G>A (NM_001008222.3).
Identifiers: ClinVar variation 3724442 (VCV003724442.3).